The following is an entry in ClinVar:

NM_001283009.2(RTEL1):c.3096G>C (p.Arg1032Ser)

Genes: RTEL1 (regulator of telomere elongation helicase 1; plus strand), RTEL1-TNFRSF6B (RTEL1-TNFRSF6B readthrough (NMD candidate); plus strand). Cytogenetic location: 20q13.33.
Variant type: single nucleotide variant.
Coding change: c.3096G>C on transcript NM_001283009.2 (MANE Select); coding-DNA position 3096, G replaced by C.
Protein change: p.Arg1032Ser; replaces arginine 1032 with serine.
Molecular consequence: missense variant. On other transcripts: non-coding transcript variant (1).
Genome position (GRCh38, 1-based): chr20:63,694,475, G>C. VCF-style: chr20-63694475-G-C. GRCh37 (hg19) VCF-style: chr20-62325828-G-C.
Other names: c.2427G>C, p.Arg809Ser (NM_001283010.1); c.3096G>C, p.Arg1032Ser (NM_016434.4); c.3168G>C, p.Arg1056Ser (NM_032957.5); short protein forms R1056S, R1032S, R809S.
Identifiers: ClinVar variation 3435966 (VCV003435966.1).

ClinVar aggregate classification (germline): Uncertain significance (1 of 4 stars; one submission).

Conditions:
Inborn genetic diseases. Identifiers: MedGen C0950123, MeSH D030342.

Submission:

Ambry Genetics
Classification: Uncertain significance for Inborn genetic diseases. Last evaluated: 2024-11-24. Review status: criteria provided, single submitter. Criteria: Ambry Variant Classification Scheme 2023. Collection method: clinical testing. Allele origin: germline.
Comment: The p.R1032S variant (also known as c.3096G>C), located in coding exon 30 of the RTEL1 gene, results from a G to C substitution at nucleotide position 3096. The arginine at codon 1032 is replaced by serine, an amino acid with dissimilar properties. This amino acid position is conserved. In addition, this alteration is predicted to be tolerated by in silico analysis. Based on the available evidence, the clinical significance of this variant remains unclear.